The following is an entry in ClinVar:

NM_024301.5(FKRP):c.761G>A (p.Arg254His)

Gene: FKRP (fukutin related protein; plus strand). Cytogenetic location: 19q13.32.
Variant type: single nucleotide variant.
Coding change: c.761G>A on transcript NM_024301.5 (MANE Select); coding-DNA position 761, G replaced by A.
Protein change: p.Arg254His; replaces arginine 254 with histidine.
Molecular consequence: missense variant.
Genome position (GRCh38, 1-based): chr19:46,756,211, G>A. VCF-style: chr19-46756211-G-A. GRCh37 (hg19) VCF-style: chr19-47259468-G-A.
Other names: c.761G>A, p.Arg254His (NM_001039885.3); short protein forms R254H.
Identifiers: ClinVar variation 1041404 (VCV001041404.6), dbSNP rs1395997291, ClinGen allele CA406495959.

ClinVar aggregate classification (germline): Uncertain significance (1 of 4 stars; one submission).

Conditions:
Walker-Warburg congenital muscular dystrophy. Also called: Muscular dystrophy-dystroglycanopathy, type A; Walker-Warburg syndrome. Identifiers: Orphanet 899, MedGen C0265221, MONDO:0000171.

Allele frequency attached by ClinVar (database versions not stated): gnomAD exomes below 0.00001; gnomAD 0.00001.
gnomAD v4.1: 2 of 1,438,678 alleles (0.00014%); highest among the groups gnomAD compares: South Asian, 0.0014%; no homozygotes.

Submission:

Labcorp Genetics (formerly Invitae), Labcorp
Classification: Uncertain significance for Walker-Warburg congenital muscular dystrophy. Last evaluated: 2022-06-20. Review status: criteria provided, single submitter. Criteria: Invitae Variant Classification Sherloc (09022015). Collection method: clinical testing. Allele origin: germline.
Comment: This sequence change replaces arginine, which is basic and polar, with histidine, which is basic and polar, at codon 254 of the FKRP protein (p.Arg254His). This variant is present in population databases (no rsID available, gnomAD 0.007%). This variant has not been reported in the literature in individuals affected with FKRP-related conditions. ClinVar contains an entry for this variant (Variation ID: 1041404). Algorithms developed to predict the effect of missense changes on protein structure and function are either unavailable or do not agree on the potential impact of this missense change (SIFT: "Deleterious"; PolyPhen-2: "Possibly Damaging"; Align-GVGD: "Class C0"). In summary, the available evidence is currently insufficient to determine the role of this variant in disease. Therefore, it has been classified as a Variant of Uncertain Significance.